The following is an entry in ClinVar:

ClinVar aggregate classification (germline): Pathogenic (1 of 4 stars; one submission).

Conditions:
Tuberous sclerosis 2 (TSC2). Identifiers: Orphanet 805, MedGen C1860707, MONDO:0013199, OMIM 613254.

Submission:

Labcorp Genetics (formerly Invitae), Labcorp
Classification: Pathogenic for Tuberous sclerosis 2. Last evaluated: 2022-12-30. Review status: criteria provided, single submitter. Criteria: Invitae Variant Classification Sherloc (09022015). Collection method: clinical testing. Allele origin: germline.
Comment: For these reasons, this variant has been classified as Pathogenic. This variant has not been reported in the literature in individuals affected with TSC2-related conditions. This variant is not present in population databases (gnomAD no frequency). This sequence change creates a premature translational stop signal (p.Cys253Serfs*8) in the TSC2 gene. It is expected to result in an absent or disrupted protein product. Loss-of-function variants in TSC2 are known to be pathogenic (PMID: 10205261, 17304050).

Literature cited by the submitters: PubMed 10205261; PubMed 17304050.

NM_000548.5(TSC2):c.756_757dup (p.Cys253fs)

Gene: TSC2 (TSC complex subunit 2; plus strand). Cytogenetic location: 16p13.3.
Variant type: Microsatellite.
Coding change: c.756_757dup on transcript NM_000548.5 (MANE Select); coding-DNA positions 756 to 757, 2 bases duplicated (CT; older notation c.756_757dupCT).
Protein change: p.Cys253fs; shifts the reading frame from cysteine 253.
Molecular consequence: frameshift variant. On other transcripts: 5 prime UTR variant (10), non-coding transcript variant (5).
Genome position (GRCh38, 1-based): chr16:2,056,751-2,056,752, CT duplicated; duplicating any 2 consecutive bases within chr16:2,056,749-2,056,752 gives the same sequence; the c. name uses the placement nearest the transcript's 3' end. VCF-style (leftmost placement, unchanged base first): chr16-2056748-G-GCT. GRCh37 (hg19) VCF-style: chr16-2106749-G-GCT.
Other names: c.645_646dup, p.Cys216fs (NM_001406670.1, NM_001406678.1, NM_001318827.2); c.744_745dup, p.Cys249fs (NM_001406671.1, NM_001406673.1); c.609_610dup, p.Cys204fs (NM_001406675.1, NM_001406676.1, NM_001406679.1 and 1 more transcripts); c.699_700dup, p.Cys234fs (NM_001406677.1); c.156_157dup, p.Cys53fs (NM_001406680.1, NM_001318831.2, NM_001406682.1 and 6 more transcripts); c.294_295dup, p.Cys99fs (NM_001406681.1); c.756_757dup, p.Cys253fs (NM_001077183.3, NM_001114382.3, NM_001363528.2 and 6 more transcripts); c.789_790dup, p.Cys264fs (NM_001318832.2); and 4 more; short protein forms C234fs, C264fs, C283fs, C204fs, C249fs, C216fs, C99fs, C253fs.
Identifiers: ClinVar variation 2825137 (VCV002825137.3), dbSNP rs2548464205, ClinGen allele CA2739269915.
Genomic context (GRCh38, chr16:2,056,748, plus strand): 5'-GCCGGCTGAGAGCCTCCCGCTGTTCATCGTTACCCTCTGTCGCACCATCAACGTCAAGGA[G>GCT]CTCTGCGAGCCTTGCTGGAAGGTGGGGTTTCTGAAACTGCTCTGGAAGGTTCCTGAGAGC-3'